The following is an entry in ClinVar:

ClinVar aggregate classification (germline): Pathogenic (1 of 4 stars; one submission).

Conditions:
Tuberous sclerosis syndrome (TSC). Also called: Tuberous Sclerosis Complex; Tuberous sclerosis. Identifiers: Orphanet 805, MedGen C0041341, MONDO:0001734.

Submission:

Cambridge Genomics Laboratory, East Genomic Laboratory Hub, NHS Genomic Medicine Service
Classification: Pathogenic for Tuberous sclerosis. Last evaluated: 2025-07-24. Review status: criteria provided, single submitter. Criteria: ACGS Best Practice Guidelines for Variant Classification in Rare Disease 2020. Collection method: clinical testing. Allele origin: germline. Affected: yes.
Comment: PVS1,PM2

NM_000368.5(TSC1):c.165_187del (p.Gln55fs)

Gene: TSC1 (TSC complex subunit 1; minus strand). Cytogenetic location: 9q34.13.
Variant type: Deletion.
Coding change: c.165_187del on transcript NM_000368.5 (MANE Select); coding-DNA positions 165 to 187, 23 bases deleted (GCCGGCATTGCACATCCTGACCA).
Protein change: p.Gln55fs; shifts the reading frame from glutamine 55.
Molecular consequence: frameshift variant. On other transcripts: 5 prime UTR variant (9), non-coding transcript variant (4), intron variant (9).
Genome position (GRCh38, 1-based): chr9:132,927,224-132,927,246, TGGTCAGGATGTGCAATGCCGGC deleted on the plus strand (GCCGGCATTGCACATCCTGACCA on the coding strand, the reverse complement: TSC1 is on the minus strand); deleting any 23 consecutive bases within chr9:132,927,224-132,927,248 gives the same sequence; the c. name uses the placement nearest the transcript's 3' end. VCF-style (leftmost placement, unchanged base first): chr9-132927223-GTGGTCAGGATGTGCAATGCCGGC-G. GRCh37 (hg19) VCF-style: chr9-135802610-GTGGTCAGGATGTGCAATGCCGGC-G.
Other names: c.-929_-907del (NM_001406630.1); c.-153-1507_-153-1485del (NM_001406620.1, NM_001406618.1, NM_001406625.1 and 5 more transcripts); c.-245-1507_-245-1485del (NM_001406614.1); c.165_187del, p.Gln55fs (NM_001162426.2, NM_001162427.2, NM_001406592.1 and 21 more transcripts); c.-324_-302del (NM_001406615.1, NM_001406623.1); c.-291_-269del (NM_001406616.1, NM_001406624.1); c.-713_-691del (NM_001406626.1, NM_001406627.1, NM_001406628.1); c.-855_-833del (NM_001406629.1); short protein forms Q55fs.
Identifiers: ClinVar variation 4683177 (VCV004683177.1).